The following is an entry in ClinVar:

ClinVar aggregate classification (germline): Benign. Review status: reviewed by expert panel (3 of 4 stars). 3 submissions from 3 submitters: Benign (1). 2 of the submissions do not count toward it. Last evaluated 2023-02-20.

Conditions:
CDKL5 disorder. Identifiers: MedGen CN296942, MONDO:0100039.
Inborn genetic diseases. Identifiers: MedGen C0950123, MeSH D030342.
Angelman syndrome-like. Identifiers: MedGen CN128785.
Developmental and epileptic encephalopathy, 2 (DEE2). Also called: CDKL5 deficiency disorder; INFANTILE SPASM SYNDROME, X-LINKED 2. Identifiers: Orphanet 1934, Orphanet 3451, Orphanet 505652, MedGen C4750718, MONDO:0010396, OMIM 300672.

Allele frequency attached by ClinVar (database versions not stated): TOPMed 0.00001; ExAC 0.00004; gnomAD exomes 0.00002 and 0.00005.
gnomAD v4.1: 10 of 1,212,089 alleles (0.00083%); highest among the groups gnomAD compares: Admixed American, 0.022%; 1 homozygote.

Submissions (3):

ClinGen Rett and Angelman-like Disorders Variant Curation Expert Panel
Classification: Benign for CDKL5 disorder. Last evaluated: 2023-02-20. Review status: reviewed by expert panel. Criteria: ClinGen RettAS ACMG Specifications V2. Collection method: curation. Allele origin: germline. Inheritance: X-linked inheritance.
Comment: RS1(NM_000330.4) and an alternative transcript of CDKL5 (NM_003159.2) are overlapping transcripts; however, these variants are in the noncoding 3' region of the main CDKL5 transcript (NM_001323289.2). The allele frequencing of the c.3059C>A (p.Thr1020Lys) variant in CDKL5 transcript (NM_003159.2) (RS1 c.184+3143G>T) is 0.033% in Latino sub population in gnomAD, which is high enough to be classified as benign based on thresholds defined by the ClinGen Rett/Angelman-like Expert Panel for Rett/AS-like conditions (BA1). Additionally, computational analysis prediction tools suggest that the p.Thr1020Lys variant does not have a deleterious impact; however this information does not predict clinical significance on its own (BP4). In summary, the p.Thr1020Lys variant in CDKL5 (NM_003159.2) is classified as Benign according to ACMG/AMP criteria (BA1, BP4).

Labcorp Genetics (formerly Invitae), Labcorp
Classification: Likely benign for Developmental and epileptic encephalopathy, 2; Angelman syndrome-like. Last evaluated: 2019-01-18. Review status: criteria provided, single submitter. Criteria: Invitae Variant Classification Sherloc (09022015). Collection method: clinical testing. Allele origin: germline. Not counted in ClinVar's aggregate classification.

Ambry Genetics
Classification: Uncertain significance for Inborn genetic diseases. Last evaluated: 2017-03-07. Review status: criteria provided, single submitter. Criteria: Ambry Variant Classification Scheme 2023. Collection method: clinical testing. Allele origin: germline. Not counted in ClinVar's aggregate classification.
Comment: The p.T1020K variant (also known as c.3059C>A), located in coding exon 20 of the CDKL5 gene, results from a C to A substitution at nucleotide position 3059. The threonine at codon 1020 is replaced by lysine, an amino acid with similar properties. This amino acid position is not well conserved in available vertebrate species. In addition, this alteration is predicted to be tolerated by in silico analysis. Since supporting evidence is limited at this time, the clinical significance of this alteration remains unclear.

NM_003159.3(CDKL5):c.3059C>A (p.Thr1020Lys)

Genes: CDKL5 (cyclin dependent kinase like 5; plus strand), RS1 (retinoschisin 1; minus strand). Cytogenetic location: Xp22.13.
Variant type: single nucleotide variant.
Coding change: c.3059C>A on transcript NM_003159.3; coding-DNA position 3059, C replaced by A.
Protein change: p.Thr1020Lys; replaces threonine 1020 with lysine.
Molecular consequence: missense variant. On other transcripts: intron variant (1).
Genome position (GRCh38, 1-based): chrX:18,653,510, C>A. VCF-style: chrX-18653510-C-A. GRCh37 (hg19) VCF-style: chrX-18671630-C-A.
Other names: c.3059C>A, p.Thr1020Lys (NM_001037343.2); c.184+3143G>T (NM_000330.4); short protein forms T1020K.
Identifiers: ClinVar variation 590093 (VCV000590093.20), dbSNP rs757994307, ClinGen allele CA10360777.